The following is an entry in ClinVar:

NM_130384.3(ATRIP):c.235C>G (p.Arg79Gly)

Genes: ATRIP (ATR interacting protein; plus strand), ATRIP-TREX1 (ATRIP-TREX1 readthrough; plus strand). Cytogenetic location: 3p21.31.
Variant type: single nucleotide variant.
Coding change: c.235C>G on transcript NM_130384.3 (MANE Select); coding-DNA position 235, C replaced by G.
Protein change: p.Arg79Gly; replaces arginine 79 with glycine.
Molecular consequence: missense variant. On other transcripts: non-coding transcript variant (1), intron variant (1).
Genome position (GRCh38, 1-based): chr3:48,447,080, C>G. VCF-style: chr3-48447080-C-G. GRCh37 (hg19) VCF-style: chr3-48488484-C-G.
Other names: c.235C>G, p.Arg79Gly (NM_032166.4); c.-218+281C>G (NM_001271022.2); short protein forms R79G.
Identifiers: ClinVar variation 3463918 (VCV003463918.1).

ClinVar aggregate classification (germline): Uncertain significance (1 of 4 stars; one submission).

Submission:

Ambry Genetics
Classification: Uncertain significance. Last evaluated: 2024-11-18. Review status: criteria provided, single submitter. Criteria: Ambry Variant Classification Scheme 2023. Collection method: clinical testing. Allele origin: germline.
Comment: The p.R79G variant (also known as c.235C>G), located in coding exon 1 of the ATRIP gene, results from a C to G substitution at nucleotide position 235. The arginine at codon 79 is replaced by glycine, an amino acid with dissimilar properties. This amino acid position is conserved. In addition, this alteration is predicted to be tolerated by in silico analysis. Based on the available evidence, the clinical significance of this variant remains unclear.